The following is an entry in ClinVar:

NM_001711.6(BGN):c.154C>T (p.Pro52Ser)

Gene: BGN (biglycan; plus strand). Cytogenetic location: Xq28.
Variant type: single nucleotide variant.
Coding change: c.154C>T on transcript NM_001711.6 (MANE Select); coding-DNA position 154, C replaced by T.
Protein change: p.Pro52Ser; replaces proline 52 with serine.
Molecular consequence: missense variant.
Genome position (GRCh38, 1-based): chrX:153,504,785, C>T. VCF-style: chrX-153504785-C-T. GRCh37 (hg19) VCF-style: chrX-152770243-C-T.
Other names: short protein forms P52S.
Identifiers: ClinVar variation 4534648 (VCV004534648.6).

ClinVar aggregate classification (germline): Uncertain significance (1 of 4 stars; one submission).

Submission:

CeGaT Center for Human Genetics Tuebingen
Classification: Uncertain significance. Last evaluated: 2025-10-01. Review status: criteria provided, single submitter. Criteria: CeGaT Center For Human Genetics Tuebingen Variant Classification Criteria Version 2. Collection method: clinical testing. Allele origin: germline. Affected: yes. Observed: 1 variant allele.
Comment: BGN: PM2, BP4